The following is an entry in ClinVar:

NM_000494.4(COL17A1):c.3070+1G>A

Gene: COL17A1 (collagen type XVII alpha 1 chain; minus strand). Cytogenetic location: 10q25.1.
Variant type: single nucleotide variant.
Coding change: c.3070+1G>A on transcript NM_000494.4 (MANE Select); the canonical splice donor site of the intron after coding-DNA position 3070, G replaced by A.
Molecular consequence: splice donor variant.
Genome position (GRCh38, 1-based): chr10:104,038,405, C>T on the plus strand (G>A on the coding strand, the complement: COL17A1 is on the minus strand). VCF-style: chr10-104038405-C-T. GRCh37 (hg19) VCF-style: chr10-105798163-C-T.
Identifiers: ClinVar variation 2813875 (VCV002813875.3), dbSNP rs2493292629, ClinGen allele CA378067370.
Genomic context (GRCh38, chr10:104,038,405, plus strand): 5'-TTGCAAAGAGACTGTATCTCCATGTTCTTGTCCCCACGGCTTGCGGCGGCCAGCTACTCA[C>T]TCTGCATGTACTCAGAGATGTACTGCTGAATCTCCTGGCCAGAGCTGCTGATAGAGCCCG-3'

ClinVar aggregate classification (germline): Likely pathogenic (1 of 4 stars; one submission).

gnomAD v4.1: 2 of 1,613,830 alleles (0.00012%); highest among the groups gnomAD compares: East Asian, 0.0022%; no homozygotes.

Submission:

Labcorp Genetics (formerly Invitae), Labcorp
Classification: Likely pathogenic. Last evaluated: 2023-08-09. Review status: criteria provided, single submitter. Criteria: Invitae Variant Classification Sherloc (09022015). Collection method: clinical testing. Allele origin: germline.
Comment: This variant has not been reported in the literature in individuals affected with COL17A1-related conditions. This sequence change affects a donor splice site in intron 45 of the COL17A1 gene. It is expected to disrupt RNA splicing. Variants that disrupt the donor or acceptor splice site typically lead to a loss of protein function (PMID: 16199547), and loss-of-function variants in COL17A1 are known to be pathogenic (PMID: 16473856, 17344927, 20301304, 21357940, 24319098). This variant is not present in population databases (gnomAD no frequency). Algorithms developed to predict the effect of sequence changes on RNA splicing suggest that this variant may disrupt the consensus splice site. In summary, the currently available evidence indicates that the variant is pathogenic, but additional data are needed to prove that conclusively. Therefore, this variant has been classified as Likely Pathogenic.

Literature cited by the submitters: PubMed 16199547; PubMed 16473856; PubMed 17344927; PubMed 20301304; PubMed 21357940; PubMed 24319098.